The following is an entry in ClinVar:

ClinVar aggregate classification (germline): Uncertain significance. Review status: criteria provided, multiple submitters, no conflicts (2 of 4 stars). 2 submissions from 2 submitters: Uncertain significance (2). Last evaluated 2026-07-16.

Conditions:
Arrhythmogenic cardiomyopathy with wooly hair and keratoderma. Also called: Dilated cardiomyopathy with woolly hair and keratoderma; Arrhythmogenic cardiomyopathy with woolly hair and keratoderma; PALMOPLANTAR KERATODERMA WITH LEFT VENTRICULAR CARDIOMYOPATHY AND WOOLLY HAIR; Carvajal syndrome. Identifiers: Orphanet 65282, MedGen C1854063, MONDO:0011581, OMIM 605676.
Arrhythmogenic right ventricular dysplasia 8 (ARVD8). Also called: Arrhythmogenic Right Ventricular Dysplasia/Cardiomyopathy 8; ARRHYTHMOGENIC RIGHT VENTRICULAR DYSPLASIA, FAMILIAL, 8; ARRHYTHMOGENIC RIGHT VENTRICULAR CARDIOMYOPATHY 8. Identifiers: MedGen C1843896, MONDO:0011831, OMIM 607450.
Cardiovascular phenotype. Identifiers: MedGen CN230736.

Allele frequency attached by ClinVar (database versions not stated): gnomAD 0.00001.
gnomAD v4.1: 1 of 1,614,114 alleles (0.000062%); highest among the groups gnomAD compares: African/African-American, 0.0013%; no homozygotes.

Submissions (2):

Ambry Genetics
Classification: Uncertain significance for Cardiovascular phenotype. Last evaluated: 2026-07-16. Review status: criteria provided, single submitter. Criteria: Ambry Variant Classification Scheme 2023. Collection method: clinical testing. Allele origin: germline.

Labcorp Genetics (formerly Invitae), Labcorp
Classification: Uncertain significance for Arrhythmogenic cardiomyopathy with wooly hair and keratoderma; Arrhythmogenic right ventricular dysplasia 8. Last evaluated: 2023-05-31. Review status: criteria provided, single submitter. Criteria: Invitae Variant Classification Sherloc (09022015). Collection method: clinical testing. Allele origin: germline.
Comment: An algorithm developed to predict the effect of missense changes on protein structure and function (PolyPhen-2) suggests that this variant is likely to be disruptive. This variant has not been reported in the literature in individuals affected with DSP-related conditions. This variant is not present in population databases (gnomAD no frequency). This sequence change replaces asparagine, which is neutral and polar, with serine, which is neutral and polar, at codon 487 of the DSP protein (p.Asn487Ser). In summary, the available evidence is currently insufficient to determine the role of this variant in disease. Therefore, it has been classified as a Variant of Uncertain Significance.

NM_004415.4(DSP):c.1460A>G (p.Asn487Ser)

Gene: DSP (desmoplakin; plus strand). Cytogenetic location: 6p24.3.
Variant type: single nucleotide variant.
Coding change: c.1460A>G on transcript NM_004415.4 (MANE Select); coding-DNA position 1460, A replaced by G.
Protein change: p.Asn487Ser; replaces asparagine 487 with serine.
Molecular consequence: missense variant.
Genome position (GRCh38, 1-based): chr6:7,569,226, A>G. VCF-style: chr6-7569226-A-G. GRCh37 (hg19) VCF-style: chr6-7569459-A-G.
Other names: c.1460A>G, p.Asn487Ser (NM_001008844.3, NM_001319034.2); short protein forms N487S.
Identifiers: ClinVar variation 2931226 (VCV002931226.2), dbSNP rs1758960290, ClinGen allele CA362677487.